The following is an entry in ClinVar:

NM_002087.4(GRN):c.1759C>T (p.Pro587Ser)

Gene: GRN (granulin precursor; plus strand). Cytogenetic location: 17q21.31.
Variant type: single nucleotide variant.
Coding change: c.1759C>T on transcript NM_002087.4 (MANE Select); coding-DNA position 1759, C replaced by T.
Protein change: p.Pro587Ser; replaces proline 587 with serine.
Molecular consequence: missense variant.
Genome position (GRCh38, 1-based): chr17:44,352,775, C>T. VCF-style: chr17-44352775-C-T. GRCh37 (hg19) VCF-style: chr17-42430143-C-T.
Other names: short protein forms P587S.
Identifiers: ClinVar variation 2278094 (VCV002278094.5), dbSNP rs1466147232, ClinGen allele CA399771188.

ClinVar aggregate classification (germline): Uncertain significance. Review status: criteria provided, multiple submitters, no conflicts (2 of 4 stars). 2 submissions from 2 submitters: Uncertain significance (2). Last evaluated 2025-12-30.

Conditions:
Neuronal ceroid lipofuscinosis 11. Also called: GRN-Related Neuronal Ceroid-Lipofuscinosis. Identifiers: Orphanet 314629, Orphanet 79262, MedGen C3539123, MONDO:0013866, OMIM 614706.
GRN-related frontotemporal lobar degeneration with Tdp43 inclusions (FTD2). Also called: DEMENTIA, HEREDITARY DYSPHASIC DISINHIBITION; FRONTOTEMPORAL LOBAR DEGENERATION WITH UBIQUITIN-POSITIVE INCLUSIONS; FTLD-TDP, GRN-RELATED; GRN Frontotemporal Dementia; FRONTOTEMPORAL DEMENTIA WITH TDP43 INCLUSIONS, GRN-RELATED. Identifiers: Orphanet 100070, Orphanet 282, MedGen C1843792, MONDO:0011842, OMIM 607485. Disease mechanism: loss of function.
Inborn genetic diseases. Identifiers: MedGen C0950123, MeSH D030342.

Allele frequency attached by ClinVar (database versions not stated): gnomAD exomes below 0.00001.

Submissions (2):

Labcorp Genetics (formerly Invitae), Labcorp
Classification: Uncertain significance for Neuronal ceroid lipofuscinosis 11; GRN-related frontotemporal lobar degeneration with Tdp43 inclusions. Last evaluated: 2025-12-30. Review status: criteria provided, single submitter. Criteria: Invitae Variant Classification Sherloc (09022015). Collection method: clinical testing. Allele origin: germline.
Comment: This sequence change replaces proline, which is neutral and non-polar, with serine, which is neutral and polar, at codon 587 of the GRN protein (p.Pro587Ser). This variant is present in population databases (no rsID available, gnomAD 0.003%). This variant has not been reported in the literature in individuals affected with GRN-related conditions. ClinVar contains an entry for this variant (Variation ID: 2278094). An algorithm developed to predict the effect of missense changes on protein structure and function (PolyPhen-2) suggests that this variant is likely to be tolerated. In summary, the available evidence is currently insufficient to determine the role of this variant in disease. Therefore, it has been classified as a Variant of Uncertain Significance.

Ambry Genetics
Classification: Uncertain significance for Inborn genetic diseases. Last evaluated: 2022-03-11. Review status: criteria provided, single submitter. Criteria: Ambry Variant Classification Scheme 2023. Collection method: clinical testing. Allele origin: germline.